The following is an entry in ClinVar:

ClinVar aggregate classification (germline): Likely benign. Review status: criteria provided, multiple submitters, no conflicts (2 of 4 stars). 2 submissions from 2 submitters: Likely benign (2). Last evaluated 2023-05-01.

gnomAD v4.1: 6 of 1,600,034 alleles (0.00037%); highest among the groups gnomAD compares: Non-Finnish European, 0.00034%; no homozygotes.

Submissions (2):

CeGaT Center for Human Genetics Tuebingen
Classification: Likely benign. Last evaluated: 2023-05-01. Review status: criteria provided, single submitter. Criteria: CeGaT Center For Human Genetics Tuebingen Variant Classification Criteria Version 2. Collection method: clinical testing. Allele origin: germline. Affected: yes. Observed: 1 variant allele.
Comment: CDH23: PM2:Supporting, BP4, BP7

Labcorp Genetics (formerly Invitae), Labcorp
Classification: Likely benign. Last evaluated: 2023-04-09. Review status: criteria provided, single submitter. Criteria: Invitae Variant Classification Sherloc (09022015). Collection method: clinical testing. Allele origin: germline.

NM_022124.6(CDH23):c.5364T>A (p.Pro1788=)

Gene: CDH23 (cadherin related 23; plus strand). Cytogenetic location: 10q22.1.
Variant type: single nucleotide variant.
Coding change: c.5364T>A on transcript NM_022124.6 (MANE Select); coding-DNA position 5364, T replaced by A.
Protein change: p.Pro1788=; no amino-acid change (proline 1788 retained).
Molecular consequence: synonymous variant.
Genome position (GRCh38, 1-based): chr10:71,779,443, T>A. VCF-style: chr10-71779443-T-A. GRCh37 (hg19) VCF-style: chr10-73539200-T-A.
Identifiers: ClinVar variation 1088195 (VCV001088195.35), dbSNP rs2132930064, ClinGen allele CA470060492.
Genomic context (GRCh38, chr10:71,779,443, plus strand): 5'-CCATGACCGAGACTCAGGACCCAACGGGCAGGTGGAGTACAGCATCATGGATGGAGACCC[T>A]CTGGGTGAGTGGGGCTTGGGGCATGCCACCCACAGGGTCTCACCTGCACACCCGCTCAGG-3'
Protein context (NP_071407.4, residues 1778-1798): QVEYSIMDGD[Pro1788=]LGEFVISPVE